The following is an entry in ClinVar:

ClinVar aggregate classification (germline): Uncertain significance (1 of 4 stars; one submission).

Submission:

GeneDx
Classification: Uncertain significance. Last evaluated: 2022-05-16. Review status: criteria provided, single submitter. Criteria: GeneDx Variant Classification Process June 2021. Collection method: clinical testing. Allele origin: germline. Affected: yes.
Comment: Canonical splice site variant with an unclear effect on protein function; Not observed at significant frequency in large population cohorts (gnomAD); Has not been previously published as pathogenic or benign to our knowledge

NM_001378452.1(ITPR1):c.4403_4407+2del

Gene: ITPR1 (inositol 1,4,5-trisphosphate receptor type 1; plus strand). Cytogenetic location: 3p26.1.
Variant type: Deletion.
Coding change: c.4403_4407+2del on transcript NM_001378452.1 (MANE Select); coding-DNA position 4403 through the canonical splice donor site of the intron after coding-DNA position 4407, 7 bases deleted (GCAGGGT; older notation c.4403_4407+2delGCAGGGT).
Molecular consequence: splice donor variant.
Genome position (GRCh38, 1-based): chr3:4,697,268-4,697,274, GCAGGGT deleted; deleting any 7 consecutive bases within chr3:4,697,267-4,697,274 gives the same sequence; the c. name uses the placement nearest the transcript's 3' end. VCF-style (leftmost placement, unchanged base first): chr3-4697266-CTGCAGGG-C. GRCh37 (hg19) VCF-style: chr3-4738950-CTGCAGGG-C.
Other names: c.4376_4380+2del (NM_001099952.4); c.4358_4362+2del (NM_001168272.2); c.4331_4335+2del (NM_002222.7).
Identifiers: ClinVar variation 1800747 (VCV001800747.1), dbSNP rs2469836898, ClinGen allele CA2580069172.
Genomic context (GRCh38, chr3:4,697,266, plus strand): 5'-GAAGGAGATTTATACCAGCAATCACATGTGGAAATTGTTTGAGAATTTCCTTGTAGACAT[CTGCAGGG>C]TAAGGCTTTTGGAACTGAGGAGGCAGAGTTGGAGAGTGAGAGGTGTGTGTGTGTGTGTGT-3'